The following is an entry in ClinVar:

ClinVar aggregate classification (germline): Uncertain significance (1 of 4 stars; one submission).

Allele frequency attached by ClinVar (database versions not stated): gnomAD exomes below 0.00001 and 0.00002; gnomAD 0.00001; TOPMed 0.00001; ExAC 0.00002.
gnomAD v4.1: 6 of 1,613,970 alleles (0.00037%); no homozygotes.

Submission:

GeneDx
Classification: Uncertain significance. Last evaluated: 2020-10-07. Review status: criteria provided, single submitter. Criteria: GeneDx Variant Classification Process June 2021. Collection method: clinical testing. Allele origin: germline. Affected: yes.
Comment: In silico analysis supports that this missense variant has a deleterious effect on protein structure/function; In silico analysis suggests this variant may impact gene splicing. In the absence of RNA/functional studies, the actual effect of this sequence change is unknown.; In a study of children with Crohn's disease, D291G reported with 0.25% allele frequency in cases and 0.004% allele frequency in ExAC and controls (Chen et al., 2018); This variant is associated with the following publications: (PMID: 30166421)

NM_001370466.1(NOD2):c.791A>G (p.Asp264Gly)

Gene: NOD2 (nucleotide binding oligomerization domain containing 2; plus strand). Cytogenetic location: 16q12.1.
Variant type: single nucleotide variant.
Coding change: c.791A>G on transcript NM_001370466.1 (MANE Select); coding-DNA position 791, A replaced by G.
Protein change: p.Asp264Gly; replaces aspartic acid 264 with glycine.
Molecular consequence: missense variant. On other transcripts: non-coding transcript variant (1).
Genome position (GRCh38, 1-based): chr16:50,710,783, A>G. VCF-style: chr16-50710783-A-G. GRCh37 (hg19) VCF-style: chr16-50744694-A-G.
Other names: c.791A>G, p.Asp264Gly (NM_001293557.2); c.872A>G, p.Asp291Gly (NM_022162.3); short protein forms D264G, D291G.
Identifiers: ClinVar variation 1308444 (VCV001308444.2), dbSNP rs755127265, ClinGen allele CA8051415.